The following is an entry in ClinVar:

NM_005121.3(MED13):c.3474A>G (p.Glu1158=)

Gene: MED13 (mediator complex subunit 13; minus strand). Cytogenetic location: 17q23.2.
Variant type: single nucleotide variant.
Coding change: c.3474A>G on transcript NM_005121.3 (MANE Select); coding-DNA position 3474, A replaced by G.
Protein change: p.Glu1158=; no amino-acid change (glutamic acid 1158 retained).
Molecular consequence: synonymous variant.
Genome position (GRCh38, 1-based): chr17:61,982,529, T>C on the plus strand (A>G on the coding strand, the complement: MED13 is on the minus strand). VCF-style: chr17-61982529-T-C. GRCh37 (hg19) VCF-style: chr17-60059890-T-C.
Identifiers: ClinVar variation 3042854 (VCV003042854.2), dbSNP rs765390577, ClinGen allele CA8692651.

ClinVar aggregate classification (germline): Likely benign (0 of 4 stars; one submission).

Conditions:
MED13-related disorder. Also called: MED13-related condition.

Allele frequency attached by ClinVar (database versions not stated): gnomAD 0.00001; gnomAD exomes 0.00001; TOPMed 0.00001; ExAC 0.00002.

Submission:

PreventionGenetics, part of Exact Sciences
Classification: Likely benign for MED13-related condition. Last evaluated: 2019-06-20. Review status: no assertion criteria provided. Collection method: clinical testing. Allele origin: germline.
Comment: This variant is classified as likely benign based on ACMG/AMP sequence variant interpretation guidelines (Richards et al. 2015 PMID: 25741868, with internal and published modifications).